The following is an entry in ClinVar:

ClinVar aggregate classification (germline): Pathogenic (1 of 4 stars; one submission).

Conditions:
Familial cancer of breast. Also called: BREAST CANCER, FAMILIAL; Hereditary breast cancer; hereditary breast carcinoma. Identifiers: Orphanet 227535, MedGen C0346153, MONDO:0016419, OMIM 114480. Disease mechanism: loss of function.

Submission:

Myriad Genetics, Inc.
Classification: Pathogenic for Familial cancer of breast. Last evaluated: 2025-11-05. Review status: criteria provided, single submitter. Criteria: Myriad Autosomal Dominant, Autosomal Recessive and X-Linked Classification Criteria (2023). Collection method: clinical testing. Allele origin: unknown.
Comment: This variant is considered pathogenic. This variant creates a frameshift predicted to result in premature protein truncation.

NM_000051.4(ATM):c.8480_8481del (p.Phe2827fs)

Genes: ATM (ATM serine/threonine kinase; plus strand), C11orf65 (chromosome 11 open reading frame 65; minus strand). Cytogenetic location: 11q22.3.
Variant type: Deletion.
Coding change: c.8480_8481del on transcript NM_000051.4 (MANE Select); coding-DNA positions 8480 to 8481, 2 bases deleted (TT; older notation c.8480_8481delTT).
Protein change: p.Phe2827fs; shifts the reading frame from phenylalanine 2827.
Molecular consequence: frameshift variant. On other transcripts: intron variant (2).
Genome position (GRCh38, 1-based): chr11:108,345,804-108,345,805, TT deleted; deleting any 2 consecutive bases within chr11:108,345,802-108,345,805 gives the same sequence; the c. name uses the placement nearest the transcript's 3' end. VCF-style (leftmost placement, unchanged base first): chr11-108345801-ATT-A. GRCh37 (hg19) VCF-style: chr11-108216528-ATT-A.
Other names: c.8480_8481del, p.Phe2827fs (NM_001351834.2); c.641-36732_641-36731del (NM_001330368.2); c.695-10511_695-10510del (NM_001351110.2); short protein forms F2827fs.
Identifiers: ClinVar variation 4812984 (VCV004812984.1).